The following is an entry in ClinVar:

NM_001166108.2(PALLD):c.1965-12805G>A

Gene: PALLD (palladin, cytoskeletal associated protein; plus strand). Cytogenetic location: 4q32.3.
Variant type: single nucleotide variant.
Coding change: c.1965-12805G>A on transcript NM_001166108.2 (MANE Select); 12805 bases into the intron before coding-DNA position 1965, G replaced by A.
Molecular consequence: intron variant. On other transcripts: missense variant (1).
Genome position (GRCh38, 1-based): chr4:168,878,117, G>A. VCF-style: chr4-168878117-G-A. GRCh37 (hg19) VCF-style: chr4-169799268-G-A.
Other names: c.226G>A, p.Glu76Lys (NM_001166110.2); c.1965-12805G>A (NM_016081.4); c.819-12805G>A (NM_001166109.2); c.-157-12805G>A (NM_001367570.1, NM_001367568.1, NM_001367567.1 and 1 more transcripts); short protein forms E76K.
Identifiers: ClinVar variation 4844648 (VCV004844648.1).

ClinVar aggregate classification (germline): Uncertain significance (1 of 4 stars; one submission).

Submission:

Ambry Genetics
Classification: Uncertain significance. Last evaluated: 2026-01-25. Review status: criteria provided, single submitter. Criteria: Ambry Variant Classification Scheme 2023. Collection method: clinical testing. Allele origin: germline.
Comment: The p.E76K variant (also known as c.226G>A), located in coding exon 1 of the PALLD gene, results from a G to A substitution at nucleotide position 226. The glutamic acid at codon 76 is replaced by lysine, an amino acid with similar properties. This amino acid position is conserved. In addition, this alteration is predicted to be tolerated by in silico analysis. Based on the available evidence, the clinical significance of this variant remains unclear.